The following is an entry in ClinVar:

ClinVar aggregate classification (germline): Benign/Likely benign. Review status: criteria provided, multiple submitters, no conflicts (2 of 4 stars). 3 submissions from 3 submitters: Benign (1); Likely benign (2). Last evaluated 2026-04-28.

Conditions:
Colorectal cancer, hereditary nonpolyposis, type 7. Identifiers: Orphanet 144, MedGen C1858380, MONDO:0013725, OMIM 614385.

Allele frequency attached by ClinVar (database versions not stated): TOPMed below 0.00001; gnomAD exomes 0.00001.

Submissions (3):

Myriad Genetics, Inc.
Classification: Benign for Colorectal cancer, hereditary nonpolyposis, type 7. Last evaluated: 2026-04-28. Review status: criteria provided, single submitter. Criteria: Myriad Autosomal Dominant, Autosomal Recessive and X-Linked Classification Criteria (2023). Collection method: clinical testing. Allele origin: unknown.
Comment: This variant is considered benign. This variant is a silent/synonymous amino acid change and it is not expected to impact splicing.

Labcorp Genetics (formerly Invitae), Labcorp
Classification: Likely benign for Colorectal cancer, hereditary nonpolyposis, type 7. Last evaluated: 2023-08-24. Review status: criteria provided, single submitter. Criteria: Invitae Variant Classification Sherloc (09022015). Collection method: clinical testing. Allele origin: germline.

Ambry Genetics
Classification: Likely benign. Last evaluated: 2021-01-23. Review status: criteria provided, single submitter. Criteria: Ambry Variant Classification Scheme 2023. Collection method: clinical testing. Allele origin: germline.

NM_001040108.2(MLH3):c.388C>T (p.Leu130=)

Gene: MLH3 (mutL homolog 3; minus strand). Cytogenetic location: 14q24.3.
Variant type: single nucleotide variant.
Coding change: c.388C>T on transcript NM_001040108.2 (MANE Select); coding-DNA position 388, C replaced by T.
Protein change: p.Leu130=; no amino-acid change (leucine 130 retained).
Molecular consequence: synonymous variant.
Genome position (GRCh38, 1-based): chr14:75,049,268, G>A on the plus strand (C>T on the coding strand, the complement: MLH3 is on the minus strand). VCF-style: chr14-75049268-G-A. GRCh37 (hg19) VCF-style: chr14-75515971-G-A.
Other names: c.388C>T, p.Leu130= (NM_014381.3).
Identifiers: ClinVar variation 1735879 (VCV001735879.6), dbSNP rs1892498119, ClinGen allele CA487274665.